The following is an entry in ClinVar:

NM_016239.4(MYO15A):c.5055C>T (p.Ala1685=)

Gene: MYO15A (myosin XVA; plus strand). Cytogenetic location: 17p11.2.
Variant type: single nucleotide variant.
Coding change: c.5055C>T on transcript NM_016239.4 (MANE Select); coding-DNA position 5055, C replaced by T.
Protein change: p.Ala1685=; no amino-acid change (alanine 1685 retained).
Molecular consequence: synonymous variant.
Genome position (GRCh38, 1-based): chr17:18,138,858, C>T. VCF-style: chr17-18138858-C-T. GRCh37 (hg19) VCF-style: chr17-18042172-C-T.
Identifiers: ClinVar variation 164525 (VCV000164525.21), dbSNP rs201026034, ClinGen allele CA177226.

ClinVar aggregate classification (germline): Conflicting classifications of pathogenicity. Review status: criteria provided, conflicting classifications (1 of 4 stars). 6 submissions from 6 submitters: Uncertain significance (2); Likely benign (4). Last evaluated 2026-01-27.

Conditions:
MYO15A-related disorder. Also called: MYO15A-related condition.
Autosomal recessive nonsyndromic hearing loss 3. Also called: NEUROSENSORY NONSYNDROMIC RECESSIVE DEAFNESS 3. Identifiers: Orphanet 90636, MedGen C1838263, MONDO:0010860, OMIM 600316.

Allele frequency attached by ClinVar (database versions not stated): 1000 Genomes Project 30x 0.00016; gnomAD exomes 0.00018 and 0.00023; 1000 Genomes Project 0.00020; TOPMed 0.00020; gnomAD 0.00021; ExAC 0.00029; ESP Exome Variant Server 0.00032.
gnomAD v4.1: 306 of 1,613,856 alleles (0.019%); highest among the groups gnomAD compares: Middle Eastern, 0.066%; no homozygotes.

Submissions (6):

Labcorp Genetics (formerly Invitae), Labcorp
Classification: Likely benign. Last evaluated: 2026-01-27. Review status: criteria provided, single submitter. Criteria: Invitae Variant Classification Sherloc (09022015). Collection method: clinical testing. Allele origin: germline.

PreventionGenetics, part of Exact Sciences
Classification: Likely benign for MYO15A-related condition. Last evaluated: 2025-10-06. Review status: criteria provided, single submitter. Criteria: ACMG Guidelines, 2015. Collection method: clinical testing. Allele origin: germline.
Comment: This variant is classified as likely benign based on ACMG/AMP sequence variant interpretation guidelines (Richards et al. 2015 PMID: 25741868, with internal and published modifications).

GeneDx
Classification: Uncertain significance. Last evaluated: 2024-11-01. Review status: criteria provided, single submitter. Criteria: GeneDx Variant Classification Process June 2021. Collection method: clinical testing. Allele origin: germline. Affected: yes.
Comment: In silico analysis suggests this variant may impact gene splicing. In the absence of RNA/functional studies, the actual effect of this sequence change is unknown.

Blueprint Genetics
Classification: Likely benign. Last evaluated: 2024-04-15. Review status: criteria provided, single submitter. Criteria: ACMG Guidelines, 2015. Collection method: clinical testing. Allele origin: germline.

Illumina Laboratory Services, Illumina
Classification: Uncertain significance for Autosomal recessive nonsyndromic hearing loss 3. Last evaluated: 2018-01-13. Review status: criteria provided, single submitter. Criteria: ICSL Variant Classification Criteria 13 December 2019. Collection method: clinical testing. Allele origin: germline.

Laboratory for Molecular Medicine, Mass General Brigham Personalized Medicine
Classification: Likely benign. Last evaluated: 2017-09-28. Review status: criteria provided, single submitter. Criteria: LMM Criteria. Collection method: clinical testing. Allele origin: germline. Observed: 3 variant alleles.
Comment: p.Ala1685Ala in exon 18 of MYO15A: This variant is not expected to have clinical significance because it does not alter an amino acid residue, is not located wi thin the splice consensus sequence, and has been identified in 0.1% (17/10124) o f Ashkenazi Jewish chromosomes by the Genome Aggregation Database (gnomAD; dbSNP rs201026034).